The following is an entry in ClinVar:

ClinVar aggregate classification (germline): Pathogenic. Review status: criteria provided, multiple submitters, no conflicts (2 of 4 stars). 3 submissions from 3 submitters: Pathogenic (2). 1 of the submissions does not count toward it. Last evaluated 2024-11-26.

Conditions:
Clark-Baraitser syndrome. Also called: BARAITSER SYNDROME; Mental retardation, tall stature, obesity, macrocephaly and typical facial features; MENTAL RETARDATION, AUTOSOMAL DOMINANT 49; Intellectual disability, autosomal dominant 49. Identifiers: Orphanet 600731, MedGen C2931130, MONDO:0030914, OMIM 617752.
Intellectual disability. Also called: Intellectual functioning disability; intellectual disabilities; Intellectual developmental disorder. Identifiers: MedGen C3714756, MeSH D008607, MONDO:0001071, HP:0001249.

gnomAD v4.1: 1 of 1,613,582 alleles (0.000062%); highest among the groups gnomAD compares: Admixed American, 0.0017%; no homozygotes.

Submissions (3):

3billion
Classification: Pathogenic for Clark-Baraitser syndrome. Last evaluated: 2024-11-26. Review status: criteria provided, single submitter. Criteria: ACMG Guidelines, 2015. Collection method: clinical testing. Allele origin: germline. Affected: yes.
Comment: The variant is observed at an extremely low frequency in the gnomAD v4.1.0 dataset (total allele frequency: <0.001%). Predicted Consequence/Location: Stop-gained (nonsense): predicted to result in a loss or disruption of normal protein function through nonsense-mediated decay (NMD) or protein truncation. Multiple pathogenic variants are reported downstream of the variant. The variant has been previously reported in a similarly affected individual as de novo(PMID: 36747006). Therefore, this variant is classified as Pathogenic according to the recommendation of ACMG/AMP guideline.

GeneDx
Classification: Pathogenic. Last evaluated: 2024-09-25. Review status: criteria provided, single submitter. Criteria: GeneDx Variant Classification Process June 2021. Collection method: clinical testing. Allele origin: germline. Affected: yes.
Comment: Nonsense variant predicted to result in protein truncation or nonsense mediated decay in a gene for which loss of function is a known mechanism of disease; This variant is associated with the following publications: (PMID: 36747006)

Diagnostic Laboratory, Strasbourg University Hospital
Classification: Uncertain significance for Intellectual disability. Last evaluated: 2020-09-10. Review status: flagged submission. Criteria: ACMG Guidelines, 2015. Collection method: clinical testing. Allele origin: de novo. Affected: yes. Observed: 1 variant allele, 1 mosaic individual. Not counted in ClinVar's aggregate classification.
ClinVar note: Reason: Older claim that does not account for recent evidence

Literature cited by the submitters: PubMed 36747006 (cited by 3billion).

NM_001348323.3(TRIP12):c.2683C>T (p.Arg895Ter)

Gene: TRIP12 (thyroid hormone receptor interactor 12; minus strand). Cytogenetic location: 2q36.3.
Variant type: single nucleotide variant.
Coding change: c.2683C>T on transcript NM_001348323.3 (MANE Select); coding-DNA position 2683, C replaced by T.
Protein change: p.Arg895Ter; replaces arginine 895 with a stop codon.
Molecular consequence: nonsense.
Genome position (GRCh38, 1-based): chr2:229,804,195, G>A on the plus strand (C>T on the coding strand, the complement: TRIP12 is on the minus strand). VCF-style: chr2-229804195-G-A. GRCh37 (hg19) VCF-style: chr2-230668911-G-A.
Other names: c.2458C>T (NM_004238.2); c.2602C>T, p.Arg868Ter (NM_001284214.2, NM_001348315.2); c.2557C>T, p.Arg853Ter (NM_001284215.2, NM_001348316.2, NM_001348317.1 and 1 more transcripts); c.1648C>T, p.Arg550Ter (NM_001284216.2); c.2683C>T, p.Arg895Ter (NM_001348319.1, NM_001348320.2, NM_001348322.1 and 4 more transcripts); c.2476C>T, p.Arg826Ter (NM_001348331.1); c.2596C>T, p.Arg866Ter (NM_001348332.1); c.2605C>T, p.Arg869Ter (NM_001348333.1); and 2 more; short protein forms R550*, R820*, R826*, R853*, R866*, R868*, R869*, R895*.
Identifiers: ClinVar variation 981398 (VCV000981398.3), dbSNP rs1195592039, ClinGen allele CA350912888.
Genomic context (GRCh38, chr2:229,804,195, plus strand): 5'-CAAATAATGTCTTAATAAAAGACTTAGCCAGTTCCGGATCCTCTTTCATAAGCTGTGCTC[G>A]AGCATCATCCTTCTTTGACTCTGAATATCCACCTATTACATTAAAAAAAAATATATGTGC-3'